The following is an entry in ClinVar:

NM_000264.5(PTCH1):c.869G>T (p.Gly290Val)

Gene: PTCH1 (patched 1; minus strand). Cytogenetic location: 9q22.32.
Variant type: single nucleotide variant.
Coding change: c.869G>T on transcript NM_000264.5 (MANE Select); coding-DNA position 869, G replaced by T.
Protein change: p.Gly290Val; replaces glycine 290 with valine.
Molecular consequence: missense variant. On other transcripts: non-coding transcript variant (1).
Genome position (GRCh38, 1-based): chr9:95,480,466, C>A on the plus strand (G>T on the coding strand, the complement: PTCH1 is on the minus strand). VCF-style: chr9-95480466-C-A. GRCh37 (hg19) VCF-style: chr9-98242748-C-A.
Other names: c.671G>T, p.Gly224Val (NM_001083602.3); c.866G>T, p.Gly289Val (NM_001083603.3); c.416G>T, p.Gly139Val (NM_001083604.3, NM_001083605.3, NM_001083606.3 and 1 more transcripts); c.869G>T, p.Gly290Val (NM_001354918.2); short protein forms G139V, G224V, G289V, G290V.
Identifiers: ClinVar variation 3939887 (VCV003939887.2).
Genomic context (GRCh38, chr9:95,480,466, plus strand): 5'-TTGGGGGCTGTGGCGGGGCAGTCTGGATCGGCCGGATTGAGGCAGGGGCGGTCCATGTAA[C>A]CATGACCAACCTCAGCCTTATTCAGCATTTCCTCCCAGCTGTCCACTTGATAGTTTATTT-3'
Protein context (NP_000255.2, residues 280-300): EMLNKAEVGH[Gly290Val]YMDRPCLNPA

ClinVar aggregate classification (germline): Uncertain significance (1 of 4 stars; one submission).

Conditions:
Hereditary cancer-predisposing syndrome. Also called: Hereditary Cancer Syndrome; Hereditary neoplastic syndrome; Neoplastic Syndromes, Hereditary; Tumor predisposition. Identifiers: Orphanet 140162, MedGen C0027672, MeSH D009386, MONDO:0015356.

Submission:

Ambry Genetics
Classification: Uncertain significance for Hereditary cancer-predisposing syndrome. Last evaluated: 2026-07-06. Review status: criteria provided, single submitter. Criteria: Ambry Variant Classification Scheme 2023. Collection method: clinical testing. Allele origin: germline.
Comment: The p.G290V variant (also known as c.869G>T), located in coding exon 6 of the PTCH1 gene, results from a G to T substitution at nucleotide position 869. The glycine at codon 290 is replaced by valine, an amino acid with dissimilar properties. This amino acid position is highly conserved in available vertebrate species. In addition, this alteration is predicted to be deleterious by in silico analysis. Based on the available evidence, the clinical significance of this variant remains unclear.